The following is an entry in ClinVar:

ClinVar aggregate classification (germline): Likely benign. Review status: criteria provided, multiple submitters, no conflicts (2 of 4 stars). 2 submissions from 2 submitters: Likely benign (2). Last evaluated 2025-11-19.

Conditions:
Oligodontia-cancer predisposition syndrome. Also called: TOOTH AGENESIS-COLORECTAL CANCER SYNDROME. Identifiers: Orphanet 300576, MedGen C1837750, MONDO:0012075, OMIM 608615. Disease mechanism: loss of function.

Allele frequency attached by ClinVar (database versions not stated): TOPMed below 0.00001; ExAC 0.00001; gnomAD exomes 0.00001.
gnomAD v4.1: 17 of 1,612,910 alleles (0.0011%); highest among the groups gnomAD compares: Non-Finnish European, 0.0014%; no homozygotes.

Submissions (2):

Labcorp Genetics (formerly Invitae), Labcorp
Classification: Likely benign for Oligodontia-cancer predisposition syndrome. Last evaluated: 2025-11-19. Review status: criteria provided, single submitter. Criteria: Invitae Variant Classification Sherloc (09022015). Collection method: clinical testing. Allele origin: germline.

Myriad Genetics, Inc.
Classification: Likely benign for Oligodontia-cancer predisposition syndrome. Last evaluated: 2024-07-08. Review status: criteria provided, single submitter. Criteria: Myriad Autosomal Dominant, Autosomal Recessive and X-Linked Classification Criteria (2023). Collection method: clinical testing. Allele origin: unknown.
Comment: This variant is considered likely benign. This variant is intronic and is not expected to impact mRNA splicing.

NM_004655.4(AXIN2):c.1908-16C>T

Gene: AXIN2 (axin 2; minus strand). Cytogenetic location: 17q24.1.
Variant type: single nucleotide variant.
Coding change: c.1908-16C>T on transcript NM_004655.4 (MANE Select); 16 bases into the intron before coding-DNA position 1908, C replaced by T.
Molecular consequence: intron variant.
Genome position (GRCh38, 1-based): chr17:65,536,569, G>A on the plus strand (C>T on the coding strand, the complement: AXIN2 is on the minus strand). VCF-style: chr17-65536569-G-A. GRCh37 (hg19) VCF-style: chr17-63532687-G-A.
Other names: c.1713-16C>T (NM_001363813.1).
Identifiers: ClinVar variation 1618570 (VCV001618570.9), dbSNP rs766903157, ClinGen allele CA8718461.